The following is an entry in ClinVar:

NM_024105.4(ALG12):c.656T>G (p.Leu219Arg)

Gene: ALG12 (ALG12 alpha-1,6-mannosyltransferase; minus strand). Cytogenetic location: 22q13.33.
Variant type: single nucleotide variant.
Coding change: c.656T>G on transcript NM_024105.4 (MANE Select); coding-DNA position 656, T replaced by G.
Protein change: p.Leu219Arg; replaces leucine 219 with arginine.
Molecular consequence: missense variant.
Genome position (GRCh38, 1-based): chr22:49,909,902, A>C on the plus strand (T>G on the coding strand, the complement: ALG12 is on the minus strand). VCF-style: chr22-49909902-A-C. GRCh37 (hg19) VCF-style: chr22-50303550-A-C.
Other names: short protein forms L219R.
Identifiers: ClinVar variation 2074255 (VCV002074255.4), dbSNP rs2519267765, ClinGen allele CA412074747.

ClinVar aggregate classification (germline): Uncertain significance (1 of 4 stars; one submission).

Conditions:
ALG12-congenital disorder of glycosylation (CDG1G). Also called: CDG Ig; ALG12-CDG; Congenital disorder of glycosylation, type Ig. Identifiers: Orphanet 79324, MedGen C2931001, MONDO:0011783, OMIM 607143.

Submission:

Labcorp Genetics (formerly Invitae), Labcorp
Classification: Uncertain significance for ALG12-congenital disorder of glycosylation. Last evaluated: 2022-04-01. Review status: criteria provided, single submitter. Criteria: Invitae Variant Classification Sherloc (09022015). Collection method: clinical testing. Allele origin: germline.
Comment: In summary, the available evidence is currently insufficient to determine the role of this variant in disease. Therefore, it has been classified as a Variant of Uncertain Significance. Algorithms developed to predict the effect of missense changes on protein structure and function are either unavailable or do not agree on the potential impact of this missense change (SIFT: "Deleterious"; PolyPhen-2: "Possibly Damaging"; Align-GVGD: "Class C0"). This variant has not been reported in the literature in individuals affected with ALG12-related conditions. This variant is not present in population databases (gnomAD no frequency). This sequence change replaces leucine, which is neutral and non-polar, with arginine, which is basic and polar, at codon 219 of the ALG12 protein (p.Leu219Arg).